The following is an entry in ClinVar:

ClinVar aggregate classification (germline): Uncertain significance. Review status: criteria provided, multiple submitters, no conflicts (2 of 4 stars). 5 submissions from 5 submitters: Uncertain significance (5). Last evaluated 2025-11-24.

Conditions:
Hereditary cancer-predisposing syndrome. Also called: Neoplastic Syndromes, Hereditary; Tumor predisposition; Hereditary Cancer Syndrome; Hereditary neoplastic syndrome. Identifiers: Orphanet 140162, MedGen C0027672, MeSH D009386, MONDO:0015356.
Hereditary nonpolyposis colorectal neoplasms. Identifiers: MedGen C0009405, MeSH D003123.
Lynch syndrome. Identifiers: Orphanet 144, MedGen C4552100, MONDO:0005835. Disease mechanism: loss of function.

Allele frequency attached by ClinVar (database versions not stated): gnomAD exomes below 0.00001; TOPMed 0.00001.
gnomAD v4.1: 1 of 1,614,200 alleles (0.000062%); highest among the groups gnomAD compares: East Asian, 0.0022%; no homozygotes.

Submissions (5):

Labcorp Genetics (formerly Invitae), Labcorp
Classification: Uncertain significance for Hereditary nonpolyposis colorectal neoplasms. Last evaluated: 2025-11-24. Review status: criteria provided, single submitter. Criteria: Invitae Variant Classification Sherloc (09022015). Collection method: clinical testing. Allele origin: germline.
Comment: This sequence change replaces leucine, which is neutral and non-polar, with arginine, which is basic and polar, at codon 747 of the MSH6 protein (p.Leu747Arg). This variant is not present in population databases (gnomAD no frequency). This variant has not been reported in the literature in individuals affected with MSH6-related conditions. ClinVar contains an entry for this variant (Variation ID: 233162). Invitae Evidence Modeling of protein sequence and biophysical properties (such as structural, functional, and spatial information, amino acid conservation, physicochemical variation, residue mobility, and thermodynamic stability) indicates that this missense variant is not expected to disrupt MSH6 protein function with a negative predictive value of 95%. In summary, the available evidence is currently insufficient to determine the role of this variant in disease. Therefore, it has been classified as a Variant of Uncertain Significance.

Ambry Genetics
Classification: Uncertain significance for Hereditary cancer-predisposing syndrome. Last evaluated: 2024-04-05. Review status: criteria provided, single submitter. Criteria: Ambry Variant Classification Scheme 2023. Collection method: clinical testing. Allele origin: germline.
Comment: The p.L747R variant (also known as c.2240T>G), located in coding exon 4 of the MSH6 gene, results from a T to G substitution at nucleotide position 2240. The leucine at codon 747 is replaced by arginine, an amino acid with dissimilar properties. This amino acid position is not well conserved in available vertebrate species. In addition, the in silico prediction for this alteration is inconclusive. Since supporting evidence is limited at this time, the clinical significance of this alteration remains unclear.

Color Diagnostics, LLC DBA Color Health
Classification: Uncertain significance for Hereditary cancer-predisposing syndrome. Last evaluated: 2024-03-06. Review status: criteria provided, single submitter. Criteria: ACMG Guidelines, 2015. Collection method: clinical testing. Allele origin: germline.
Comment: This missense variant replaces leucine with arginine at codon 747 of the MSH6 protein. Computational prediction suggests that this variant may not impact protein structure and function (internally defined REVEL score threshold <= 0.5, PMID: 27666373). To our knowledge, functional studies have not been reported for this variant. This variant has not been reported in individuals affected with MSH6-related disorders in the literature. This variant has not been identified in the general population by the Genome Aggregation Database (gnomAD). The available evidence is insufficient to determine the role of this variant in disease conclusively. Therefore, this variant is classified as a Variant of Uncertain Significance.

All of Us Research Program, National Institutes of Health
Classification: Uncertain significance for Lynch syndrome. Last evaluated: 2023-10-23. Review status: criteria provided, single submitter. Criteria: ACMG Guidelines, 2015. Collection method: clinical testing. Allele origin: germline. Inheritance: Autosomal dominant inheritance. Observed: 2 variant alleles, 2 heterozygotes.
Comment: This missense variant replaces leucine with arginine at codon 747 of the MSH6 protein. Computational prediction suggests that this variant may not impact protein structure and function (internally defined REVEL score threshold <= 0.5, PMID: 27666373). To our knowledge, functional studies have not been reported for this variant. This variant has not been reported in individuals affected with MSH6-related disorders in the literature. This variant has not been identified in the general population by the Genome Aggregation Database (gnomAD). The available evidence is insufficient to determine the role of this variant in disease conclusively. Therefore, this variant is classified as a Variant of Uncertain Significance.

This study involves interpretation of variants in research participants for the purpose of population health screening. Participant phenotype was not available at the time of variant classification. Additional details can be found in publication PMID: 35346344, PMCID: PMC8962531

Women's Health and Genetics/Laboratory Corporation of America, LabCorp
Classification: Uncertain significance. Last evaluated: 2019-11-26. Review status: criteria provided, single submitter. Criteria: LabCorp Variant Classification Summary - May 2015. Collection method: clinical testing. Allele origin: germline.
Comment: Variant summary: MSH6 c.2240T>G (p.Leu747Arg) results in a non-conservative amino acid change in the encoded protein sequence. Three of five in-silico tools predict a benign effect of the variant on protein function. The variant was absent in 250902 control chromosomes (gnomAD). The available data on variant occurrences in the general population are insufficient to allow any conclusion about variant significance. To our knowledge, no occurrence of c.2240T>G in individuals affected with Hereditary Non-Polyposis Colon Cancer and no experimental evidence demonstrating its impact on protein function have been reported. One ClinVar submitter (evaluation after 2014) cites the variant as uncertain significance. Based on the evidence outlined above, the variant was classified as uncertain significance.

NM_000179.3(MSH6):c.2240T>G (p.Leu747Arg)

Gene: MSH6 (mutS homolog 6; plus strand). Cytogenetic location: 2p16.3.
Variant type: single nucleotide variant.
Coding change: c.2240T>G on transcript NM_000179.3 (MANE Select); coding-DNA position 2240, T replaced by G.
Protein change: p.Leu747Arg; replaces leucine 747 with arginine.
Molecular consequence: missense variant.
Genome position (GRCh38, 1-based): chr2:47,800,223, T>G. VCF-style: chr2-47800223-T-G. GRCh37 (hg19) VCF-style: chr2-48027362-T-G.
Other names: c.1850T>G, p.Leu617Arg (NM_001281492.2); c.1334T>G, p.Leu445Arg (NM_001281493.2, NM_001281494.2); short protein forms L747R, L445R, L617R.
Identifiers: ClinVar variation 233162 (VCV000233162.21), dbSNP rs876660234, ClinGen allele CA10578100.